The following is an entry in ClinVar:

NM_004990.4(MARS1):c.2116C>T (p.Arg706Cys)

Gene: MARS1 (methionyl-tRNA synthetase 1; plus strand). Cytogenetic location: 12q13.3.
Variant type: single nucleotide variant.
Coding change: c.2116C>T on transcript NM_004990.4 (MANE Select); coding-DNA position 2116, C replaced by T.
Protein change: p.Arg706Cys; replaces arginine 706 with cysteine.
Molecular consequence: missense variant.
Genome position (GRCh38, 1-based): chr12:57,514,970, C>T. VCF-style: chr12-57514970-C-T. GRCh37 (hg19) VCF-style: chr12-57908753-C-T.
Other names: p.Arg706Cys; short protein forms R706C.
Identifiers: ClinVar variation 475419 (VCV000475419.17), dbSNP rs148501787, ClinGen allele CA6650715.
Genomic context (GRCh38, chr12:57,514,970, plus strand): 5'-TCTCTGTAGGACATTACACCTTGGCCTGCTTCCTCCCTTCCCAGGATCCGGGATGCCTTG[C>T]GCAGTATCCTCACCATATCTCGACATGGCAACCAATATATTCAGGTGAATGAGCCCTGGA-3'
Protein context (NP_004981.2, residues 696-716): LEKVRIRDAL[Arg706Cys]SILTISRHGN

ClinVar aggregate classification (germline): Conflicting classifications of pathogenicity. Review status: criteria provided, conflicting classifications (1 of 4 stars). 7 submissions from 7 submitters: Uncertain significance (6); Likely benign (1). Last evaluated 2026-04-16.

Conditions:
Severe early-onset pulmonary alveolar proteinosis due to MARS deficiency. Also called: PULMONARY ALVEOLAR PROTEINOSIS, REUNION ISLAND; Interstitial lung and liver disease. Identifiers: Orphanet 440427, MedGen C4225400, MONDO:0014206, OMIM 615486.
Charcot-Marie-Tooth disease axonal type 2U. Also called: CHARCOT-MARIE-TOOTH NEUROPATHY, TYPE 2U; CHARCOT-MARIE-TOOTH DISEASE, AXONAL, AUTOSOMAL DOMINANT, TYPE 2U. Identifiers: Orphanet 397735, MedGen C4084821, MONDO:0014566, OMIM 616280.
Charcot-Marie-Tooth disease. Also called: Charcot-Marie-Tooth Hereditary Neuropathy; Charcot-Marie-Tooth Neuropathy. Identifiers: Orphanet 166, MedGen C0007959, MONDO:0015626.

Allele frequency attached by ClinVar (database versions not stated): gnomAD exomes 0.00035 and 0.00056; gnomAD 0.00048 and 0.00049; TOPMed 0.00047; ESP Exome Variant Server 0.00062; ExAC 0.00031.
gnomAD v4.1: 886 of 1,614,166 alleles (0.055%); highest among the groups gnomAD compares: Non-Finnish European, 0.069%; no homozygotes.

Submissions (7):

GeneDx
Classification: Uncertain significance. Last evaluated: 2026-04-16. Review status: criteria provided, single submitter. Criteria: GeneDx Variant Classification Process June 2021. Collection method: clinical testing. Allele origin: germline.
Comment: Seen in a patient with suspected Charcot-Marie-Tooth disease, however, specific clinical information was not provided (PMID: 32376792); In silico analysis supports that this missense variant has a deleterious effect on protein structure/function; This variant is associated with the following publications: (PMID: Boles2023[preprint], 25668207, 26740555, 27400856, 29057844, 28719003, 32376792)

Labcorp Genetics (formerly Invitae), Labcorp
Classification: Uncertain significance for Charcot-Marie-Tooth disease axonal type 2U; Severe early-onset pulmonary alveolar proteinosis due to MARS deficiency. Last evaluated: 2026-01-14. Review status: criteria provided, single submitter. Criteria: Invitae Variant Classification Sherloc (09022015). Collection method: clinical testing. Allele origin: germline.
Comment: This sequence change replaces arginine, which is basic and polar, with cysteine, which is neutral and slightly polar, at codon 706 of the MARS protein (p.Arg706Cys). This variant is present in population databases (rs148501787, gnomAD 0.06%). This missense change has been observed in individual(s) with clinical features of Charcot-Marie-Tooth disease (PMID: 32376792). ClinVar contains an entry for this variant (Variation ID: 475419). An algorithm developed to predict the effect of missense changes on protein structure and function (PolyPhen-2) suggests that this variant is likely to be disruptive. In summary, the available evidence is currently insufficient to determine the role of this variant in disease. Therefore, it has been classified as a Variant of Uncertain Significance.

Women's Health and Genetics/Laboratory Corporation of America, LabCorp
Classification: Uncertain significance. Last evaluated: 2025-10-24. Review status: criteria provided, single submitter. Criteria: LabCorp Variant Classification Summary - May 2015. Collection method: clinical testing. Allele origin: germline.
Comment: Variant summary: MARS1 c.2116C>T (p.Arg706Cys) results in a non-conservative amino acid change located in the methionyl-tRNA synthetase, anticodon-binding domain (IPR041872) of the encoded protein sequence. Algorithms developed to predict the effect of missense changes on protein structure and function are either unavailable or do not agree on the potential impact of this missense change. The variant allele was found at a frequency of 0.00036 in 282848 control chromosomes. This frequency is not significantly higher than estimated for disease-causing variants in MARS1, allowing no conclusion about variant significance.c.2116C>T has been reported in the literature in individuals affected with MARS1-Related Disorders (e.g. Volodarsky_2021). These report(s) do not provide unequivocal conclusions about association of the variant with MARS1-Related Disorders. To our knowledge, no experimental evidence demonstrating an impact on protein function has been reported. The following publication has been ascertained in the context of this evaluation (PMID: 32376792). ClinVar contains an entry for this variant (Variation ID: 475419). Based on the evidence outlined above, the variant was classified as uncertain significance.

Mayo Clinic Laboratories, Mayo Clinic
Classification: Uncertain significance. Last evaluated: 2025-07-16. Review status: criteria provided, single submitter. Criteria: ACMG Guidelines, 2015. Collection method: clinical testing. Allele origin: germline. Observed: 2 variant alleles.
Comment: BP4

Ambry Genetics
Classification: Likely benign. Last evaluated: 2019-10-15. Review status: criteria provided, single submitter. Criteria: Ambry Variant Classification Scheme 2023. Collection method: clinical testing. Allele origin: germline.

Breakthrough Genomics
Classification: Uncertain significance. Review status: criteria provided, single submitter. Criteria: ACMG Guidelines, 2015. Collection method: not provided. Allele origin: germline. Inheritance: Autosomal recessive inheritance. Affected: yes.

Molecular Genetics Laboratory, London Health Sciences Centre
Classification: Uncertain significance for Charcot-Marie-Tooth disease. Review status: criteria provided, single submitter. Criteria: ACMG Guidelines, 2015. Collection method: clinical testing. Allele origin: germline. Affected: yes.

Literature cited by the submitters: PubMed 32376792 (cited by 3 submitters).